The following is an entry in ClinVar:

NC_000010.11:g.(?_110644435)_(110823634_?)del

Genes: RBM20 (RNA binding motif protein 20; plus strand), LOC130004733 (ATAC-STARR-seq lymphoblastoid active region 4041; plus strand), LOC130004734 (ATAC-STARR-seq lymphoblastoid active region 4043; plus strand), LOC126861041 (P300/CBP strongly-dependent group 1 enhancer GRCh37_chr10:112534241-112535440; plus strand), LOC111875823 (Sharpr-MPRA regulatory region 1411; plus strand). Cytogenetic location: 10q25.2.
Variant type: Deletion.
Identifiers: ClinVar variation 538050 (VCV000538050.10).

ClinVar aggregate classification (germline): Uncertain significance (1 of 4 stars; one submission).

Conditions:
Dilated cardiomyopathy 1DD (CMD1DD). Identifiers: Orphanet 154, MedGen C2750995, MONDO:0013168, OMIM 613172.

Submission:

Labcorp Genetics (formerly Invitae), Labcorp
Classification: Uncertain significance for Dilated cardiomyopathy 1DD. Last evaluated: 2017-12-07. Review status: criteria provided, single submitter. Criteria: Invitae Variant Classification Sherloc (09022015). Collection method: clinical testing. Allele origin: germline.
Comment: The current clinical and genetic evidence is not sufficient to establish whether loss-of-function variants in RBM20 cause disease. In summary, the available evidence is currently insufficient to determine the role of this variant in disease. Therefore, it has been classified as a Variant of Uncertain Significance. This variant has not been reported in the literature in individuals with RBM20-related disease. This variant is a gross deletion of the genomic region encompassing exons 1-12 of the RBM20 gene, which includes the initiator codon. The 5' end of this event is unknown as it extends beyond the assayed region for this gene and therefore may encompass additional genes. The 3' boundary is likely confined to intron 12 of the RBM20 gene. This is expected to result in an absent or disrupted protein product.